The following is an entry in ClinVar:

ClinVar aggregate classification (germline): Pathogenic. Review status: criteria provided, multiple submitters, no conflicts (2 of 4 stars). 3 submissions from 3 submitters: Pathogenic (2). 1 of the submissions does not count toward it. Last evaluated 2024-06-07.

Conditions:
Mucopolysaccharidosis, MPS-II (MPS2). Also called: Attenuated MPS (subtype; formerly known as mild MPS II); Severe MPS II; I2S deficiency; MPS 2; Hunter Syndrome; IDURONATE 2-SULFATASE DEFICIENCY. Identifiers: Orphanet 580, Orphanet 79388, MedGen C0026705, MONDO:0010674, OMIM 309900.

Submissions (4):

Laboratory of Diagnosis and Therapy of Lysosomal Disorders, University of Padova
Classification: Pathogenic for Mucopolysaccharidosis, MPS-II. Last evaluated: 2024-06-07. Review status: criteria provided, single submitter. Criteria: ACMG Guidelines, 2015. Collection method: literature only. Allele origin: germline. Affected: yes. Observed: 3 variant alleles.
Comment: Null variant (PVS1_VeryStrong), Absent from controls (or at low frequency) in gnomAD database (PM2_Moderate), Patient’s phenotype or family history highly specific for the disease (PP4_Moderate)

Classification method: ACMG Guidelines [PMID:25741868] with modifications

Myriad Genetics, Inc.
Classification: Pathogenic for Mucopolysaccharidosis, MPS-II. Last evaluated: 2024-05-08. Review status: criteria provided, single submitter. Criteria: Myriad Autosomal Dominant, Autosomal Recessive and X-Linked Classification Criteria (2023). Collection method: clinical testing. Allele origin: unknown.
Comment: NM_000202.5(IDS):c.610C>T(Q204*) is expected to be pathogenic in the context of mucopolysaccharidosis type II. This variant is predicted to lead to an abnormal or absent protein product due to the creation of a premature termination codon in IDS, a gene where loss-of-function variants are known to be pathogenic. Please note: this variant was assessed in the context of healthy population screening.

Research Laboratory of Human Genome and Multifactorial Diseases, Faculty of Pharmacy, University of Monastir
Classification: Pathogenic for Mucopolysaccharidosis, MPS-II. Last evaluated: 2019-04-01. Review status: no assertion criteria provided. Collection method: research. Allele origin: germline. Inheritance: X-linked recessive inheritance. Affected: yes. Observed: 1 hemizygote. Not counted in ClinVar's aggregate classification.

Dr. Peter K. Rogan Lab, Western University
No classification provided (evidence only). Condition: Nonpapillary renal cell carcinoma. Review status: no classification provided. Collection method: in vitro. Allele origin: not applicable. Functional consequence: skipped exon. Not counted in ClinVar's aggregate classification.

Literature cited by the submitters: PubMed 32448126 (cited by Laboratory of Diagnosis and Therapy of Lysosomal Disorders, University of Padova); PubMed 34670126 (cited by Laboratory of Diagnosis and Therapy of Lysosomal Disorders, University of Padova); DOI 10.21203/rs.2.16148/v5 (cited by Research Laboratory of Human Genome and Multifactorial Diseases, Faculty of Pharmacy, University of Monastir).

NM_000202.8(IDS):c.610C>T (p.Gln204Ter)

Genes: IDS (iduronate 2-sulfatase; minus strand), LOC106050102 (IDS recombination region; plus strand). Cytogenetic location: Xq28.
Variant type: single nucleotide variant.
Coding change: c.610C>T on transcript NM_000202.8 (MANE Select); coding-DNA position 610, C replaced by T.
Protein change: p.Gln204Ter; replaces glutamine 204 with a stop codon.
Molecular consequence: nonsense. On other transcripts: non-coding transcript variant (1).
Genome position (GRCh38, 1-based): chrX:149,498,205, G>A on the plus strand (C>T on the coding strand, the complement: IDS is on the minus strand). VCF-style: chrX-149498205-G-A. GRCh37 (hg19) VCF-style: chrX-148579736-G-A.
Other names: NC_000023.10:g.148579736G>A; c.340C>T, p.Gln114Ter (NM_001166550.4); c.610C>T, p.Gln204Ter (NM_006123.5); short protein forms Q114*, Q204*.
Identifiers: ClinVar variation 869482 (VCV000869482.6), dbSNP rs1557339532, ClinGen allele CA414522347.